The following is an entry in ClinVar:

ClinVar aggregate classification (germline): Uncertain significance (1 of 4 stars; one submission).

Conditions:
Familial thoracic aortic aneurysm and aortic dissection (TAAD). Also called: Thoracic aortic aneurysms and dissections. Identifiers: Orphanet 91387, MedGen C4707243, MONDO:0019625.

gnomAD v4.1: 1 of 1,613,936 alleles (0.000062%); highest among the groups gnomAD compares: East Asian, 0.0022%; no homozygotes.

Submission:

Color Diagnostics, LLC DBA Color Health
Classification: Uncertain significance for Familial thoracic aortic aneurysm and aortic dissection. Last evaluated: 2019-09-30. Review status: criteria provided, single submitter. Criteria: ACMG Guidelines, 2015. Collection method: clinical testing. Allele origin: germline.
Comment: This variant causes a C>G nucleotide substitution at the -15 position of intron 16 of the FBN1 gene. To our knowledge, functional studies have not been performed for this variant. This variant has not been reported in individuals affected with cardiovascular disorders in the literature. This variant has not been identified in the general population by the Genome Aggregation Database (gnomAD). The available evidence is insufficient to determine the role of this variant in disease conclusively. Therefore, this variant is classified as a Variant of Uncertain Significance.

NM_000138.5(FBN1):c.1961-15C>G

Gene: FBN1 (fibrillin 1; minus strand). Cytogenetic location: 15q21.1.
Variant type: single nucleotide variant.
Coding change: c.1961-15C>G on transcript NM_000138.5 (MANE Select); 15 bases into the intron before coding-DNA position 1961, C replaced by G.
Molecular consequence: intron variant.
Genome position (GRCh38, 1-based): chr15:48,503,954, G>C on the plus strand (C>G on the coding strand, the complement: FBN1 is on the minus strand). VCF-style: chr15-48503954-G-C. GRCh37 (hg19) VCF-style: chr15-48796151-G-C.
Identifiers: ClinVar variation 922249 (VCV000922249.3), dbSNP rs2043686921, ClinGen allele CA1139663975.